The following is an entry in ClinVar:

NM_001267550.2(TTN):c.102630del (p.Lys34210_Val34211insTer)

Genes: TTN (titin; minus strand), TTN-AS1 (TTN antisense RNA 1; plus strand). Cytogenetic location: 2q31.2.
Variant type: Deletion.
Coding change: c.102630del on transcript NM_001267550.2 (MANE Select); coding-DNA position 102630, one base deleted (A; older notation c.102630delA).
Protein change: p.Lys34210_Val34211insTer.
Molecular consequence: frameshift variant.
Genome position (GRCh38, 1-based): chr2:178,533,985, T deleted on the plus strand (A on the coding strand, the reverse complement: TTN is on the minus strand); the first of 3 consecutive T bases (chr2:178,533,985-178,533,987); deleting any one gives the same sequence. VCF-style (leftmost placement, unchanged base first): chr2-178533984-CT-C. GRCh37 (hg19) VCF-style: chr2-179398711-CT-C.
Other names: c.97707del, p.Lys32569_Val32570insTer (NM_001256850.1); c.75435del, p.Lys25145_Val25146insTer (NM_003319.4); c.94926del, p.Lys31642_Val31643insTer (NM_133378.4); c.75810del, p.Lys25270_Val25271insTer (NM_133432.3); c.76011del, p.Lys25337_Val25338insTer (NM_133437.4); c.102630delA (LRG_391t1).
Identifiers: ClinVar variation 223356 (VCV000223356.1), dbSNP rs869312101, ClinGen allele CA353356.

ClinVar aggregate classification (germline): Uncertain significance (1 of 4 stars; one submission).

Conditions:
Primary dilated cardiomyopathy (DCM). Also called: Dilated Cardiomyopathy. Identifiers: Orphanet 217604, MedGen C0007193, MeSH D002311, MONDO:0005021, HP:0001644. Inheritance: Various modes of inheritance.

Submission:

Cardiovascular Biomedical Research Unit, Royal Brompton & Harefield NHS Foundation Trust
Classification: Uncertain significance for Primary dilated cardiomyopathy. Last evaluated: 2014-10-08. Review status: criteria provided, single submitter. Criteria: Roberts et al. 2015. Collection method: research. Allele origin: germline. Inheritance: Autosomal dominant inheritance. Affected: no. Observed: 1 variant allele. Study: JHS cohort.
Comment: In the seven cohorts assessed, TTNtv were found in 14% of ambulant DCM, 22% end-stage or familial DCM, and 2% controls. Heterozygous nonsense, frameshift and canonical splice-disrupting variants found in constitutive and other highly utilised exons are highly likely to be pathogenic when identified in individuals with phenotypically confirmed DCM. TTNtv found incidentally in healthy individuals (excluding familial assessment of DCM relatives) are thought to have low penetrance, particularly when identified in exons that are not constitutively expressed in the heart.